The following is an entry in ClinVar:

NM_012309.5(SHANK2):c.412-9C>T

Gene: SHANK2 (SH3 and multiple ankyrin repeat domains 2; minus strand). Cytogenetic location: 11q13.4.
Variant type: single nucleotide variant.
Coding change: c.412-9C>T on transcript NM_012309.5 (MANE Select); 9 bases into the intron before coding-DNA position 412, C replaced by T.
Molecular consequence: intron variant.
Genome position (GRCh38, 1-based): chr11:71,113,373, G>A on the plus strand (C>T on the coding strand, the complement: SHANK2 is on the minus strand). VCF-style: chr11-71113373-G-A. GRCh37 (hg19) VCF-style: chr11-70824419-G-A.
Other names: c.412-9C>T (NM_012309.4).
Identifiers: ClinVar variation 509326 (VCV000509326.3), dbSNP rs201663845, ClinGen allele CA224340521.

ClinVar aggregate classification (germline): Likely benign. Review status: criteria provided, single submitter (1 of 4 stars). 2 submissions from 2 submitters: Likely benign (1). 1 of the submissions does not count toward it. Last evaluated 2017-04-27.

Conditions:
SHANK2-related disorder.

Allele frequency attached by ClinVar (database versions not stated): gnomAD 0.00002; gnomAD exomes 0.00003.
gnomAD v4.1: 47 of 1,550,716 alleles (0.003%); highest among the groups gnomAD compares: Non-Finnish European, 0.0038%; no homozygotes.

Submissions (2):

GeneDx
Classification: Likely benign. Last evaluated: 2017-04-27. Review status: criteria provided, single submitter. Criteria: GeneDx Variant Classification (06012015). Collection method: clinical testing. Allele origin: germline. Affected: yes.
Comment: This variant is considered likely benign or benign based on one or more of the following criteria: it is a conservative change, it occurs at a poorly conserved position in the protein, it is predicted to be benign by multiple in silico algorithms, and/or has population frequency not consistent with disease.

PreventionGenetics, part of Exact Sciences
Classification: Likely benign for SHANK2-related condition. Last evaluated: 2022-06-29. Review status: no assertion criteria provided. Collection method: clinical testing. Allele origin: germline. Not counted in ClinVar's aggregate classification.
Comment: This variant is classified as likely benign based on ACMG/AMP sequence variant interpretation guidelines (Richards et al. 2015 PMID: 25741868, with internal and published modifications).